The following is an entry in ClinVar:

ClinVar aggregate classification (germline): Likely benign. Review status: criteria provided, multiple submitters, no conflicts (2 of 4 stars). 4 submissions from 4 submitters: Likely benign (4). Last evaluated 2025-03-11.

Conditions:
Arrhythmogenic right ventricular cardiomyopathy (ARVD). Also called: Arrhythmogenic cardiomyopathy; Cardiomyopathy, ARVC; Arrhythmogenic right ventricular dysplasia; Arrhythmogenic Right Ventricular Cardiomyopathy (ARVC). Identifiers: Orphanet 247, MedGen C0349788, MeSH D019571, MONDO:0016587. Disease mechanism: loss of function. Inheritance: Various modes of inheritance.
Cardiomyopathy (CMYO). Also called: Cardiomyopathies. Identifiers: Orphanet 167848, MedGen C0878544, MONDO:0004994, HP:0001638. Inheritance: Various modes of inheritance.
Cardiovascular phenotype. Identifiers: MedGen CN230736.
Arrhythmogenic right ventricular dysplasia 10. Also called: Arrhythmogenic Right Ventricular Dysplasia/Cardiomyopathy10; ARRHYTHMOGENIC RIGHT VENTRICULAR DYSPLASIA, FAMILIAL, 10; Arrhythmogenic right ventricular dysplasia/cardiomyopathy, type 10. Identifiers: MedGen C1857777, MONDO:0012434, OMIM 610193.

Allele frequency attached by ClinVar (database versions not stated): gnomAD 0.00001; ExAC 0.00002; TOPMed 0.00003; 1000 Genomes Project 30x 0.00016; 1000 Genomes Project 0.00020.
gnomAD v4.1: 12 of 1,614,218 alleles (0.00074%); highest among the groups gnomAD compares: East Asian, 0.025%; no homozygotes.

Submissions (4):

Labcorp Genetics (formerly Invitae), Labcorp
Classification: Likely benign for Arrhythmogenic right ventricular dysplasia 10. Last evaluated: 2025-03-11. Review status: criteria provided, single submitter. Criteria: Invitae Variant Classification Sherloc (09022015). Collection method: clinical testing. Allele origin: germline.

All of Us Research Program, National Institutes of Health
Classification: Likely benign for Arrhythmogenic right ventricular cardiomyopathy. Last evaluated: 2023-09-04. Review status: criteria provided, single submitter. Criteria: ACMG Guidelines, 2015. Collection method: clinical testing. Allele origin: germline. Inheritance: Autosomal dominant inheritance. Observed: 3 variant alleles, 3 heterozygotes.
Comment: This study involves interpretation of variants in research participants for the purpose of population health screening. Participant phenotype was not available at the time of variant classification. Additional details can be found in publication PMID: 35346344, PMCID: PMC8962531

Ambry Genetics
Classification: Likely benign for Cardiovascular phenotype. Last evaluated: 2023-05-11. Review status: criteria provided, single submitter. Criteria: Ambry Variant Classification Scheme 2023. Collection method: clinical testing. Allele origin: germline.

Color Diagnostics, LLC DBA Color Health
Classification: Likely benign for Cardiomyopathy. Last evaluated: 2019-10-14. Review status: criteria provided, single submitter. Criteria: ACMG Guidelines, 2015. Collection method: clinical testing. Allele origin: germline.

NM_001943.5(DSG2):c.2397T>C (p.Tyr799=)

Genes: DSG2 (desmoglein 2; plus strand), DSG2-AS1 (DSG2 antisense RNA 1; minus strand). Cytogenetic location: 18q12.1.
Variant type: single nucleotide variant.
Coding change: c.2397T>C on transcript NM_001943.5 (MANE Select); coding-DNA position 2397, T replaced by C.
Protein change: p.Tyr799=; no amino-acid change (tyrosine 799 retained).
Molecular consequence: synonymous variant. On other transcripts: non-coding transcript variant (1).
Genome position (GRCh38, 1-based): chr18:31,545,783, T>C. VCF-style: chr18-31545783-T-C. GRCh37 (hg19) VCF-style: chr18-29125746-T-C.
Other names: c.2397T>C (NM_001943.3).
Identifiers: ClinVar variation 923167 (VCV000923167.18), dbSNP rs200201181, ClinGen allele CA045925.